The following is an entry in ClinVar:

NM_206933.4(USH2A):c.1298C>A (p.Pro433His)

Gene: USH2A (usherin; minus strand). Cytogenetic location: 1q41.
Variant type: single nucleotide variant.
Coding change: c.1298C>A on transcript NM_206933.4 (MANE Select); coding-DNA position 1298, C replaced by A.
Protein change: p.Pro433His; replaces proline 433 with histidine.
Molecular consequence: missense variant.
Genome position (GRCh38, 1-based): chr1:216,324,198, G>T on the plus strand (C>A on the coding strand, the complement: USH2A is on the minus strand). VCF-style: chr1-216324198-G-T. GRCh37 (hg19) VCF-style: chr1-216497540-G-T.
Other names: c.1298C>A, p.Pro433His (NM_007123.6); short protein forms P433H.
Identifiers: ClinVar variation 2160624 (VCV002160624.1), dbSNP rs1440518861, ClinGen allele CA344911441.

ClinVar aggregate classification (germline): Uncertain significance (1 of 4 stars; one submission).

Allele frequency attached by ClinVar (database versions not stated): gnomAD 0.00001.
gnomAD v4.1: 8 of 1,612,938 alleles (0.0005%); highest among the groups gnomAD compares: Non-Finnish European, 0.00059%; no homozygotes.

Submission:

Labcorp Genetics (formerly Invitae), Labcorp
Classification: Uncertain significance. Last evaluated: 2021-10-14. Review status: criteria provided, single submitter. Criteria: Invitae Variant Classification Sherloc (09022015). Collection method: clinical testing. Allele origin: germline.
Comment: This sequence change replaces proline with histidine at codon 433 of the USH2A protein (p.Pro433His). The proline residue is moderately conserved and there is a moderate physicochemical difference between proline and histidine. This variant is not present in population databases (ExAC no frequency). This variant has not been reported in the literature in individuals affected with USH2A-related conditions. Algorithms developed to predict the effect of missense changes on protein structure and function are either unavailable or do not agree on the potential impact of this missense change (SIFT: "Deleterious"; PolyPhen-2: "Probably Damaging"; Align-GVGD: "Class C0"). In summary, the available evidence is currently insufficient to determine the role of this variant in disease. Therefore, it has been classified as a Variant of Uncertain Significance.